The following is an entry in ClinVar:

NM_005765.3(ATP6AP2):c.301-295G>A

Gene: ATP6AP2 (ATPase H+ transporting accessory protein 2; plus strand). Cytogenetic location: Xp11.4.
Variant type: single nucleotide variant.
Coding change: c.301-295G>A on transcript NM_005765.3 (MANE Select); 295 bases into the intron before coding-DNA position 301, G replaced by A.
Molecular consequence: intron variant.
Genome position (GRCh38, 1-based): chrX:40,596,954, G>A. VCF-style: chrX-40596954-G-A. GRCh37 (hg19) VCF-style: chrX-40456206-G-A.
Identifiers: ClinVar variation 672390 (VCV000672390.1), dbSNP rs112695938, ClinGen allele CA328988225.

ClinVar aggregate classification (germline): Likely benign (1 of 4 stars; one submission).

Allele frequency attached by ClinVar (database versions not stated): 1000 Genomes Project 0.00848; 1000 Genomes Project 30x 0.00874; gnomAD 0.01035; TOPMed 0.01162.
gnomAD v4.1: 1,312 of 244,211 alleles (0.54%); highest among the groups gnomAD compares: African/African-American, 3.5%; 20 homozygotes.

Submission:

GeneDx
Classification: Likely benign. Last evaluated: 2018-06-14. Review status: criteria provided, single submitter. Criteria: GeneDx Variant Classification (06012015). Collection method: clinical testing. Allele origin: germline. Affected: yes.
Comment: This variant is considered likely benign or benign based on one or more of the following criteria: it is a conservative change, it occurs at a poorly conserved position in the protein, it is predicted to be benign by multiple in silico algorithms, and/or has population frequency not consistent with disease.